The following is an entry in ClinVar:

NM_000414.4(HSD17B4):c.1897C>T (p.Arg633Cys)

Gene: HSD17B4 (hydroxysteroid 17-beta dehydrogenase 4; plus strand). Cytogenetic location: 5q23.1.
Variant type: single nucleotide variant.
Coding change: c.1897C>T on transcript NM_000414.4 (MANE Select); coding-DNA position 1897, C replaced by T.
Protein change: p.Arg633Cys; replaces arginine 633 with cysteine.
Molecular consequence: missense variant. On other transcripts: non-coding transcript variant (2).
Genome position (GRCh38, 1-based): chr5:119,531,308, C>T. VCF-style: chr5-119531308-C-T. GRCh37 (hg19) VCF-style: chr5-118867003-C-T.
Other names: c.1456C>T, p.Arg486Cys (NM_001374500.1); c.1486C>T, p.Arg496Cys (NM_001374501.1, NM_001374502.1, NM_001374503.1); c.1972C>T, p.Arg658Cys (NM_001199291.3); c.1843C>T, p.Arg615Cys (NM_001199292.2); c.1825C>T, p.Arg609Cys (NM_001292027.2, NM_001374498.1); c.1477C>T, p.Arg493Cys (NM_001292028.2); c.1888C>T, p.Arg630Cys (NM_001374497.1); c.1570C>T, p.Arg524Cys (NM_001374499.1); short protein forms R486C, R493C, R496C, R524C, R609C, R615C, R630C, R633C.
Identifiers: ClinVar variation 1342770 (VCV001342770.3), dbSNP rs767299480, ClinGen allele CA3382457.

ClinVar aggregate classification (germline): Uncertain significance. Review status: criteria provided, multiple submitters, no conflicts (2 of 4 stars). 2 submissions from 2 submitters: Uncertain significance (2). Last evaluated 2026-09-02.

Conditions:
HSD17B4-related disorder. Also called: HSD17B4-related condition; HSD17B4-related disorders.

Allele frequency attached by ClinVar (database versions not stated): gnomAD 0.00001; ExAC 0.00002; gnomAD exomes 0.00002; TOPMed 0.00003.

Submissions (2):

PreventionGenetics, part of Exact Sciences
Classification: Uncertain significance for HSD17B4-related condition. Last evaluated: 2026-09-02. Review status: criteria provided, single submitter. Criteria: ACMG Guidelines, 2015. Collection method: clinical testing. Allele origin: germline.
Comment: The HSD17B4 c.1897C>T variant is predicted to result in the amino acid substitution p.Arg633Cys. To our knowledge, this variant has not been reported in the literature. This variant is reported in 0.0065% of alleles in individuals of South Asian descent in gnomAD. At this time, the clinical significance of this variant is uncertain due to the absence of conclusive functional and genetic evidence.

GeneDx
Classification: Uncertain significance. Last evaluated: 2022-02-28. Review status: criteria provided, single submitter. Criteria: GeneDx Variant Classification Process June 2021. Collection method: clinical testing. Allele origin: germline. Affected: yes.
Comment: Not observed at significant frequency in large population cohorts (gnomAD); In silico analysis supports that this missense variant has a deleterious effect on protein structure/function; Has not been previously published as pathogenic or benign to our knowledge